The following is an entry in ClinVar:

NM_000082.4(ERCC8):c.1012G>A (p.Asp338Asn)

Gene: ERCC8 (ERCC excision repair 8, CSA ubiquitin ligase complex subunit; minus strand). Cytogenetic location: 5q12.1.
Variant type: single nucleotide variant.
Coding change: c.1012G>A on transcript NM_000082.4 (MANE Select); coding-DNA position 1012, G replaced by A.
Protein change: p.Asp338Asn; replaces aspartic acid 338 with asparagine.
Molecular consequence: missense variant.
Genome position (GRCh38, 1-based): chr5:60,890,918, C>T on the plus strand (G>A on the coding strand, the complement: ERCC8 is on the minus strand). VCF-style: chr5-60890918-C-T. GRCh37 (hg19) VCF-style: chr5-60186745-C-T.
Other names: c.838G>A, p.Asp280Asn (NM_001007233.3); c.553G>A, p.Asp185Asn (NM_001290285.2); short protein forms D338N, D185N, D280N.
Identifiers: ClinVar variation 546240 (VCV000546240.40), dbSNP rs141845482, ClinGen allele CA3277663.

ClinVar aggregate classification (germline): Conflicting classifications of pathogenicity. Review status: criteria provided, conflicting classifications (1 of 4 stars). 6 submissions from 6 submitters: Uncertain significance (5); Likely benign (1). Last evaluated 2024-10-08.

Conditions:
Cockayne syndrome type 1. Also called: Cockayne syndrome type I; Cockayne syndrome classical; Cockayne syndrome classic form. Identifiers: Orphanet 191, Orphanet 90321, MedGen C0751039, MONDO:0019569, OMIM 216400.
UV-sensitive syndrome 2 (UVSS2). Identifiers: Orphanet 178338, MedGen C3553298, MONDO:0013829, OMIM 614621.

Allele frequency attached by ClinVar (database versions not stated): ExAC 0.00036; gnomAD exomes 0.00038 and 0.00074; TOPMed 0.00056; gnomAD 0.00063; ESP Exome Variant Server 0.00092.
gnomAD v4.1: 1,177 of 1,613,318 alleles (0.073%); highest among the groups gnomAD compares: Non-Finnish European, 0.094%; 2 homozygotes.

Submissions (6):

Labcorp Genetics (formerly Invitae), Labcorp
Classification: Uncertain significance. Last evaluated: 2024-10-08. Review status: criteria provided, single submitter. Criteria: Invitae Variant Classification Sherloc (09022015). Collection method: clinical testing. Allele origin: germline.
Comment: This sequence change replaces aspartic acid, which is acidic and polar, with asparagine, which is neutral and polar, at codon 338 of the ERCC8 protein (p.Asp338Asn). This variant is present in population databases (rs141845482, gnomAD 0.08%). This variant has not been reported in the literature in individuals affected with ERCC8-related conditions. ClinVar contains an entry for this variant (Variation ID: 546240). Invitae Evidence Modeling of protein sequence and biophysical properties (such as structural, functional, and spatial information, amino acid conservation, physicochemical variation, residue mobility, and thermodynamic stability) indicates that this missense variant is not expected to disrupt ERCC8 protein function with a negative predictive value of 80%. In summary, the available evidence is currently insufficient to determine the role of this variant in disease. Therefore, it has been classified as a Variant of Uncertain Significance.

CeGaT Center for Human Genetics Tuebingen
Classification: Likely benign. Last evaluated: 2022-11-01. Review status: criteria provided, single submitter. Criteria: CeGaT Center For Human Genetics Tuebingen Variant Classification Criteria Version 2. Collection method: clinical testing. Allele origin: germline. Affected: yes. Observed: 1 variant allele.
Comment: ERCC8: BS1

Mayo Clinic Laboratories, Mayo Clinic
Classification: Uncertain significance. Last evaluated: 2022-10-26. Review status: criteria provided, single submitter. Criteria: ACMG Guidelines, 2015. Collection method: clinical testing. Allele origin: germline. Observed: 2 variant alleles.
Comment: BP4

Fulgent Genetics
Classification: Uncertain significance for Cockayne syndrome type 1; UV-sensitive syndrome 2. Last evaluated: 2022-03-18. Review status: criteria provided, single submitter. Criteria: ACMG Guidelines, 2015. Collection method: clinical testing. Allele origin: unknown.

GeneDx
Classification: Uncertain significance. Last evaluated: 2018-05-17. Review status: criteria provided, single submitter. Criteria: GeneDx Variant Classification (06012015). Collection method: clinical testing. Allele origin: germline. Affected: yes.
Comment: The D338N variant in the ERCC8 gene has not been reported previously as a pathogenic variant, nor as a benign variant, to our knowledge. Although not observed in the homozygous state, the D338N variant is observed in 101/126354 (0.080%) alleles from individuals of non-Finnish European background and 113/276718 (0.041%) total alleles in large population cohorts (Lek et al., 2016). The D338N variant is a semi-conservative amino acid substitution, which may impact secondary protein structure as these residues differ in some properties. In-silico analyses, including protein predictors and evolutionary conservation, support that this variant does not alter protein structure/function. We interpret D338N as a variant of uncertain significance.

Illumina Laboratory Services, Illumina
Classification: Uncertain significance for Cockayne syndrome type 1. Last evaluated: 2018-03-16. Review status: criteria provided, single submitter. Criteria: ICSL Variant Classification Criteria 13 December 2019. Collection method: clinical testing. Allele origin: germline.